The following is an entry in ClinVar:

ClinVar aggregate classification (germline): Uncertain significance (1 of 4 stars; one submission).

Conditions:
Hereditary cancer-predisposing syndrome. Also called: Hereditary neoplastic syndrome; Hereditary Cancer Syndrome; Neoplastic Syndromes, Hereditary; Tumor predisposition. Identifiers: Orphanet 140162, MedGen C0027672, MeSH D009386, MONDO:0015356.

Submission:

Ambry Genetics
Classification: Uncertain significance for Hereditary cancer-predisposing syndrome. Last evaluated: 2023-04-16. Review status: criteria provided, single submitter. Criteria: Ambry Variant Classification Scheme 2023. Collection method: clinical testing. Allele origin: germline.
Comment: The p.H1247P variant (also known as c.3740A>C), located in coding exon 24 of the ALK gene, results from an A to C substitution at nucleotide position 3740. The histidine at codon 1247 is replaced by proline, an amino acid with similar properties. This amino acid position is conserved. In addition, this alteration is predicted to be deleterious by in silico analysis. Since supporting evidence is limited at this time, the clinical significance of this alteration remains unclear.

NM_004304.5(ALK):c.3740A>C (p.His1247Pro)

Gene: ALK (ALK receptor tyrosine kinase; minus strand). Cytogenetic location: 2p23.2.
Variant type: single nucleotide variant.
Coding change: c.3740A>C on transcript NM_004304.5 (MANE Select); coding-DNA position 3740, A replaced by C.
Protein change: p.His1247Pro; replaces histidine 1247 with proline.
Molecular consequence: missense variant.
Genome position (GRCh38, 1-based): chr2:29,213,987, T>G on the plus strand (A>C on the coding strand, the complement: ALK is on the minus strand). VCF-style: chr2-29213987-T-G. GRCh37 (hg19) VCF-style: chr2-29436853-T-G.
Other names: c.536A>C, p.His179Pro (NM_001353765.2); short protein forms H1247P, H179P.
Identifiers: ClinVar variation 2566574 (VCV002566574.2), dbSNP rs2465922464, ClinGen allele CA346471105.